The following is an entry in ClinVar:

ClinVar aggregate classification (germline): Uncertain significance (1 of 4 stars; one submission).

Conditions:
Cardiovascular phenotype. Identifiers: MedGen CN230736.
Hereditary cancer-predisposing syndrome. Also called: Tumor predisposition; Neoplastic Syndromes, Hereditary; Hereditary Cancer Syndrome; Hereditary neoplastic syndrome. Identifiers: Orphanet 140162, MedGen C0027672, MeSH D009386, MONDO:0015356.

Submission:

Ambry Genetics
Classification: Uncertain significance for Cardiovascular phenotype; Hereditary cancer-predisposing syndrome. Last evaluated: 2025-02-05. Review status: criteria provided, single submitter. Criteria: Ambry Variant Classification Scheme 2023. Collection method: clinical testing. Allele origin: germline.
Comment: The c.4110+855_4110+863delTTTTTTAGC intronic variant, located in intron 30 of the NF1 gene, results from a deletion of 9 nucleotides within intron 30 of the NF1 gene. This nucleotide position is well conserved in available vertebrate species. In silico splice site analysis predicts that this alteration will not have any significant effect on splicing; however, direct evidence is insufficient at this time (Ambry internal data). Based on the available evidence, the clinical significance of this variant remains unclear.

NM_001042492.3(NF1):c.4110+855_4110+863del

Gene: NF1 (neurofibromin 1; plus strand). Cytogenetic location: 17q11.2.
Variant type: Deletion.
Coding change: c.4110+855_4110+863del on transcript NM_001042492.3 (MANE Select); bases 855 to 863 of the intron after coding-DNA position 4110, 9 bases deleted (TTTTTTAGC; older notation c.4110+855_4110+863delTTTTTTAGC).
Molecular consequence: intron variant.
Genome position (GRCh38, 1-based): chr17:31,249,974-31,249,982, TTTTTTAGC deleted; deleting any 9 consecutive bases within chr17:31,249,972-31,249,982 gives the same sequence; the c. name uses the placement nearest the transcript's 3' end. VCF-style (leftmost placement, unchanged base first): chr17-31249971-TGCTTTTTTA-T. GRCh37 (hg19) VCF-style: chr17-29576989-TGCTTTTTTA-T.
Other names: c.4110+855_4110+863delTTTTTTAGC (NM_000267.3); c.4110+855_4110+863del (NM_000267.4).
Identifiers: ClinVar variation 3878987 (VCV003878987.1).